The following is an entry in ClinVar:

NM_177438.3(DICER1):c.1192G>A (p.Val398Ile)

Gene: DICER1 (dicer 1, ribonuclease III; minus strand). Cytogenetic location: 14q32.13.
Variant type: single nucleotide variant.
Coding change: c.1192G>A on transcript NM_177438.3 (MANE Select); coding-DNA position 1192, G replaced by A.
Protein change: p.Val398Ile; replaces valine 398 with isoleucine.
Molecular consequence: missense variant.
Genome position (GRCh38, 1-based): chr14:95,124,380, C>T on the plus strand (G>A on the coding strand, the complement: DICER1 is on the minus strand). VCF-style: chr14-95124380-C-T. GRCh37 (hg19) VCF-style: chr14-95590717-C-T.
Other names: c.1192G>A, p.Val398Ile (NM_001195573.1, NM_001271282.3, NM_001291628.2 and 1 more transcripts); short protein forms V398I.
Identifiers: ClinVar variation 567354 (VCV000567354.13), dbSNP rs1404281132, ClinGen allele CA390886756.
Genomic context (GRCh38, chr14:95,124,380, plus strand): 5'-CATCCTCAGAATCACTCCATGACACATAATTATCCTGATTTCTATTATTATACCACTCAA[C>T]GCTTTCAAACTGCTGTCGCTCATATGGTTTATATTTGCGTAAGATTTCGAGCAGTTTGAT-3'
Protein context (NP_803187.1, residues 388-408): KPYERQQFES[Val398Ile]EWYNNRNQDN

ClinVar aggregate classification (germline): Uncertain significance. Review status: criteria provided, multiple submitters, no conflicts (2 of 4 stars). 4 submissions from 4 submitters: Uncertain significance (4). Last evaluated 2025-12-09.

Conditions:
Global developmental delay - lung cysts - overgrowth - Wilms tumor syndrome. Also called: GLOW Syndrome; GLOBAL DEVELOPMENTAL DELAY, LUNG CYSTS, OVERGROWTH, AND WILMS TUMOR. Identifiers: Orphanet 404476, MedGen C4748924, MONDO:0018445, OMIM 618272.
Hereditary cancer-predisposing syndrome. Also called: Neoplastic Syndromes, Hereditary; Tumor predisposition; Hereditary Cancer Syndrome; Hereditary neoplastic syndrome. Identifiers: Orphanet 140162, MedGen C0027672, MeSH D009386, MONDO:0015356.
DICER1-related tumor predisposition. Also called: DICER1-related pleuropulmonary blastoma cancer predisposition syndrome; DICER1 syndrome. Identifiers: Orphanet 284343, MedGen C3839822, MONDO:0100216.

Allele frequency attached by ClinVar (database versions not stated): TOPMed below 0.00001; gnomAD 0.00001; gnomAD exomes below 0.00001.
gnomAD v4.1: 8 of 1,614,016 alleles (0.0005%); highest among the groups gnomAD compares: Admixed American, 0.0017%; no homozygotes.

Submissions (4):

Labcorp Genetics (formerly Invitae), Labcorp
Classification: Uncertain significance for DICER1-related tumor predisposition. Last evaluated: 2025-12-09. Review status: criteria provided, single submitter. Criteria: Invitae Variant Classification Sherloc (09022015). Collection method: clinical testing. Allele origin: germline.
Comment: This sequence change replaces valine, which is neutral and non-polar, with isoleucine, which is neutral and non-polar, at codon 398 of the DICER1 protein (p.Val398Ile). This variant is present in population databases (no rsID available, gnomAD 0.0009%). This variant has not been reported in the literature in individuals affected with DICER1-related conditions. ClinVar contains an entry for this variant (Variation ID: 567354). Invitae Evidence Modeling of protein sequence and biophysical properties (such as structural, functional, and spatial information, amino acid conservation, physicochemical variation, residue mobility, and thermodynamic stability) indicates that this missense variant is not expected to disrupt DICER1 protein function with a negative predictive value of 95%. In summary, the available evidence is currently insufficient to determine the role of this variant in disease. Therefore, it has been classified as a Variant of Uncertain Significance.

Ambry Genetics
Classification: Uncertain significance for Hereditary cancer-predisposing syndrome. Last evaluated: 2024-06-15. Review status: criteria provided, single submitter. Criteria: Ambry Variant Classification Scheme 2023. Collection method: clinical testing. Allele origin: germline.
Comment: The p.V398I variant (also known as c.1192G>A), located in coding exon 7 of the DICER1 gene, results from a G to A substitution at nucleotide position 1192. The valine at codon 398 is replaced by isoleucine, an amino acid with highly similar properties. This amino acid position is conserved. In addition, this alteration is predicted to be tolerated by in silico analysis. Since supporting evidence is limited at this time, the clinical significance of this alteration remains unclear.

GeneDx
Classification: Uncertain significance. Last evaluated: 2024-01-22. Review status: criteria provided, single submitter. Criteria: GeneDx Variant Classification Process June 2021. Collection method: clinical testing. Allele origin: germline. Affected: yes.
Comment: Not observed at significant frequency in large population cohorts (gnomAD); In silico analysis supports that this missense variant does not alter protein structure/function; Has not been previously published as pathogenic or benign to our knowledge

Baylor Genetics
Classification: Uncertain significance for Global developmental delay - lung cysts - overgrowth - Wilms tumor syndrome. Last evaluated: 2023-08-08. Review status: criteria provided, single submitter. Criteria: ACMG Guidelines, 2015. Collection method: clinical testing. Allele origin: unknown.